The following is an entry in ClinVar:

ClinVar aggregate classification (germline): Uncertain significance (1 of 4 stars; one submission).

Conditions:
Inborn genetic diseases. Identifiers: MedGen C0950123, MeSH D030342.

gnomAD v4.1: 3 of 1,614,040 alleles (0.00019%); highest among the groups gnomAD compares: South Asian, 0.0033%; no homozygotes.

Submission:

Ambry Genetics
Classification: Uncertain significance for Inborn genetic diseases. Last evaluated: 2023-11-03. Review status: criteria provided, single submitter. Criteria: Ambry Variant Classification Scheme 2023. Collection method: clinical testing. Allele origin: germline.
Comment: The p.G332R variant (also known as c.994G>C), located in coding exon 4 of the ATR gene, results from a G to C substitution at nucleotide position 994. The glycine at codon 332 is replaced by arginine, an amino acid with dissimilar properties. This amino acid position is conserved. In addition, this alteration is predicted to be tolerated by in silico analysis. Since supporting evidence is limited at this time, the clinical significance of this alteration remains unclear.

NM_001184.4(ATR):c.994G>C (p.Gly332Arg)

Gene: ATR (ATR checkpoint kinase; minus strand). Cytogenetic location: 3q23.
Variant type: single nucleotide variant.
Coding change: c.994G>C on transcript NM_001184.4 (MANE Select); coding-DNA position 994, G replaced by C.
Protein change: p.Gly332Arg; replaces glycine 332 with arginine.
Molecular consequence: missense variant.
Genome position (GRCh38, 1-based): chr3:142,562,408, C>G on the plus strand (G>C on the coding strand, the complement: ATR is on the minus strand). VCF-style: chr3-142562408-C-G. GRCh37 (hg19) VCF-style: chr3-142281250-C-G.
Other names: c.994G>C, p.Gly332Arg (NM_001354579.2); short protein forms G332R.
Identifiers: ClinVar variation 1768706 (VCV001768706.2), dbSNP rs147932626, ClinGen allele CA2650694.
Genomic context (GRCh38, chr3:142,562,408, plus strand): 5'-ACTGCAGTAAATGGCACAAAGCTGCTTTTAGCAAATCAGACTTAAGCCGCATGAGCACAC[C>G]GTCTTCAAACATGACACAGAGTTTTTCCAGCAGCATATTTAAATAGACAGGTTCAATATT-3'
Protein context (NP_001175.2, residues 322-342): LEKLCVMFED[Gly332Arg]VLMRLKSDLL